The following is an entry in ClinVar:

NM_020435.4(GJC2):c.102C>A (p.Phe34Leu)

Gene: GJC2 (gap junction protein gamma 2; plus strand). Cytogenetic location: 1q42.13.
Variant type: single nucleotide variant.
Coding change: c.102C>A on transcript NM_020435.4 (MANE Select); coding-DNA position 102, C replaced by A.
Protein change: p.Phe34Leu; replaces phenylalanine 34 with leucine.
Molecular consequence: missense variant.
Genome position (GRCh38, 1-based): chr1:228,157,860, C>A. VCF-style: chr1-228157860-C-A. GRCh37 (hg19) VCF-style: chr1-228345561-C-A.
Other names: short protein forms F34L.
Identifiers: ClinVar variation 1350447 (VCV001350447.8), dbSNP rs1170317766, ClinGen allele CA345096906.

ClinVar aggregate classification (germline): Uncertain significance (1 of 4 stars; one submission).

Conditions:
Spastic paraplegia. Identifiers: MedGen C0037772, HP:0001258.

Allele frequency attached by ClinVar (database versions not stated): TOPMed below 0.00001; gnomAD 0.00001.
gnomAD v4.1: 1 of 1,610,068 alleles (0.000062%); highest among the groups gnomAD compares: Non-Finnish European, 0.000085%; no homozygotes.

Submission:

Labcorp Genetics (formerly Invitae), Labcorp
Classification: Uncertain significance for Spastic paraplegia. Last evaluated: 2022-02-05. Review status: criteria provided, single submitter. Criteria: Invitae Variant Classification Sherloc (09022015). Collection method: clinical testing. Allele origin: germline.
Comment: This variant is not present in population databases (gnomAD no frequency). This sequence change replaces phenylalanine, which is neutral and non-polar, with leucine, which is neutral and non-polar, at codon 34 of the GJC2 protein (p.Phe34Leu). This variant has not been reported in the literature in individuals affected with GJC2-related conditions. Algorithms developed to predict the effect of missense changes on protein structure and function are either unavailable or do not agree on the potential impact of this missense change (SIFT: "Deleterious"; PolyPhen-2: "Probably Damaging"; Align-GVGD: "Class C15"). In summary, the available evidence is currently insufficient to determine the role of this variant in disease. Therefore, it has been classified as a Variant of Uncertain Significance.